The following is an entry in ClinVar:

ClinVar aggregate classification (germline): Uncertain significance. Review status: criteria provided, multiple submitters, no conflicts (2 of 4 stars). 2 submissions from 2 submitters: Uncertain significance (2). Last evaluated 2025-11-27.

Conditions:
Inborn genetic diseases. Identifiers: MedGen C0950123, MeSH D030342.
Alkaptonuria (AKU). Also called: HOMOGENTISIC ACID OXIDASE DEFICIENCY; Alcaptonuria; Homogentisic acidura; Alkaptonuric ochronosis. Identifiers: Orphanet 56, MedGen C0002066, MONDO:0008753, OMIM 203500.

Allele frequency attached by ClinVar (database versions not stated): TOPMed 0.00001; gnomAD 0.00002.

Submissions (2):

Ambry Genetics
Classification: Uncertain significance for Inborn genetic diseases. Last evaluated: 2025-11-27. Review status: criteria provided, single submitter. Criteria: Ambry Variant Classification Scheme 2023. Collection method: clinical testing. Allele origin: germline.

Labcorp Genetics (formerly Invitae), Labcorp
Classification: Uncertain significance for Alkaptonuria. Last evaluated: 2022-07-28. Review status: criteria provided, single submitter. Criteria: Invitae Variant Classification Sherloc (09022015). Collection method: clinical testing. Allele origin: germline.
Comment: This sequence change replaces arginine, which is basic and polar, with glutamine, which is neutral and polar, at codon 347 of the HGD protein (p.Arg347Gln). This variant is present in population databases (no rsID available, gnomAD 0.004%). This variant has not been reported in the literature in individuals affected with HGD-related conditions. Advanced modeling of protein sequence and biophysical properties (such as structural, functional, and spatial information, amino acid conservation, physicochemical variation, residue mobility, and thermodynamic stability) performed at Invitae indicates that this missense variant is not expected to disrupt HGD protein function. In summary, the available evidence is currently insufficient to determine the role of this variant in disease. Therefore, it has been classified as a Variant of Uncertain Significance.

NM_000187.4(HGD):c.1040G>A (p.Arg347Gln)

Gene: HGD (homogentisate 1,2-dioxygenase; minus strand). Cytogenetic location: 3q13.33.
Variant type: single nucleotide variant.
Coding change: c.1040G>A on transcript NM_000187.4 (MANE Select); coding-DNA position 1040, G replaced by A.
Protein change: p.Arg347Gln; replaces arginine 347 with glutamine.
Molecular consequence: missense variant.
Genome position (GRCh38, 1-based): chr3:120,633,295, C>T on the plus strand (G>A on the coding strand, the complement: HGD is on the minus strand). VCF-style: chr3-120633295-C-T. GRCh37 (hg19) VCF-style: chr3-120352142-C-T.
Other names: c.1040G>A (NM_000187.3); short protein forms R347Q.
Identifiers: ClinVar variation 2050566 (VCV002050566.2), dbSNP rs1414633272, ClinGen allele CA354072965.
Genomic context (GRCh38, chr3:120,633,295, plus strand): 5'-GTGCTGTGTAGACTCCCTCCCCCTGGCAGGAACCCACCTTGCTTTGCCTCATAGTGACCT[C>T]GGATGAGTCCCATGAACTCACTCATGCAGTTCCCTGGGAAGGTTGAAGCAGTATTATTTT-3'
Protein context (NP_000178.2, residues 337-357): NCMSEFMGLI[Arg347Gln]GHYEAKQGGF